The following is an entry in ClinVar:

NM_001378454.1(ALMS1):c.124G>A (p.Val42Ile)

Gene: ALMS1 (ALMS1 centrosome and basal body associated protein; plus strand). Cytogenetic location: 2p13.1.
Variant type: single nucleotide variant.
Coding change: c.124G>A on transcript NM_001378454.1 (MANE Select); coding-DNA position 124, G replaced by A.
Protein change: p.Val42Ile; replaces valine 42 with isoleucine.
Molecular consequence: missense variant.
Genome position (GRCh38, 1-based): chr2:73,385,992, G>A. VCF-style: chr2-73385992-G-A. GRCh37 (hg19) VCF-style: chr2-73613120-G-A.
Other names: c.127G>A, p.Val43Ile (NM_015120.4); short protein forms V42I, V43I.
Identifiers: ClinVar variation 1767590 (VCV001767590.2), dbSNP rs1294461836, ClinGen allele CA347250657.

ClinVar aggregate classification (germline): Uncertain significance (1 of 4 stars; one submission).

Conditions:
Cardiovascular phenotype. Identifiers: MedGen CN230736.

Allele frequency attached by ClinVar (database versions not stated): gnomAD 0.00002; gnomAD exomes 0.00002.
gnomAD v4.1: 28 of 1,554,282 alleles (0.0018%); highest among the groups gnomAD compares: Non-Finnish European, 0.0023%; no homozygotes.

Submission:

Ambry Genetics
Classification: Uncertain significance for Cardiovascular phenotype. Last evaluated: 2020-06-29. Review status: criteria provided, single submitter. Criteria: Ambry Variant Classification Scheme 2023. Collection method: clinical testing. Allele origin: germline.
Comment: The p.V43I variant (also known as c.127G>A), located in coding exon 1 of the ALMS1 gene, results from a G to A substitution at nucleotide position 127. The valine at codon 43 is replaced by isoleucine, an amino acid with highly similar properties. This amino acid position is well conserved in available vertebrate species. In addition, this alteration is predicted to be tolerated by in silico analysis. Since supporting evidence is limited at this time, the clinical significance of this alteration remains unclear.